The following is an entry in ClinVar:

ClinVar aggregate classification (germline): Uncertain significance (1 of 4 stars; one submission).

Conditions:
Hereditary breast ovarian cancer syndrome. Also called: Hereditary breast and ovarian cancer; Hereditary breast and/or ovarian cancer syndrome; Hereditary breast and ovarian cancer syndrome; Hereditary breast and ovarian cancer syndrome (HBOC); Breast and ovarian cancer; BRCA1- and BRCA2-Associated Hereditary Breast and Ovarian Cancer. Identifiers: Orphanet 145, MedGen C0677776, MeSH D061325, MONDO:0003582. Disease mechanism: loss of function.

Submission:

Labcorp Genetics (formerly Invitae), Labcorp
Classification: Uncertain significance for Hereditary breast ovarian cancer syndrome. Last evaluated: 2021-08-09. Review status: criteria provided, single submitter. Criteria: Invitae Variant Classification Sherloc (09022015). Collection method: clinical testing. Allele origin: germline.
Comment: In summary, the available evidence is currently insufficient to determine the role of this variant in disease. Therefore, it has been classified as a Variant of Uncertain Significance. Experimental studies and prediction algorithms are not available or were not evaluated, and the functional significance of this variant is currently unknown. This variant has not been reported in the literature in individuals affected with BRCA2-related conditions. This variant is not present in population databases (ExAC no frequency). This variant, c.3837_3842del, results in the deletion of 2 amino acid(s) of the BRCA2 protein (p.Asn1279_Asp1280del), but otherwise preserves the integrity of the reading frame.

NM_000059.4(BRCA2):c.3837_3842del (p.Asn1279_Asp1280del)

Gene: BRCA2 (BRCA2 DNA repair associated; plus strand). Cytogenetic location: 13q13.1.
Variant type: Deletion.
Coding change: c.3837_3842del on transcript NM_000059.4 (MANE Select); coding-DNA positions 3837 to 3842, 6 bases deleted (TGATAA; older notation c.3837_3842delTGATAA).
Protein change: p.Asn1279_Asp1280del.
Molecular consequence: inframe deletion.
Genome position (GRCh38, 1-based): chr13:32,338,192-32,338,197, TGATAA deleted; deleting any 6 consecutive bases within chr13:32,338,188-32,338,197 gives the same sequence; the c. name uses the placement nearest the transcript's 3' end. VCF-style (leftmost placement, unchanged base first): chr13-32338187-CATAATG-C. GRCh37 (hg19) VCF-style: chr13-32912324-CATAATG-C.
Identifiers: ClinVar variation 1377169 (VCV001377169.6), dbSNP rs2137500422, ClinGen allele CA2573149344.
Genomic context (GRCh38, chr13:32,338,187, plus strand): 5'-ATAAGTTTATCTTCAAGTAAATGTCATGATTCTGTTGTTTCAATGTTTAAGATAGAAAAT[CATAATG>C]ATAAAACTGTAAGTGAAAAAAATAATAAATGCCAACTGATATTACAAAATAATATTGAAA-3'